The following is an entry in ClinVar:

NM_007194.4(CHEK2):c.793-11G>A

Gene: CHEK2 (checkpoint kinase 2; minus strand). Cytogenetic location: 22q12.1.
Variant type: single nucleotide variant.
Coding change: c.793-11G>A on transcript NM_007194.4 (MANE Select); 11 bases into the intron before coding-DNA position 793, G replaced by A.
Molecular consequence: intron variant.
Genome position (GRCh38, 1-based): chr22:28,710,070, C>T on the plus strand (G>A on the coding strand, the complement: CHEK2 is on the minus strand). VCF-style: chr22-28710070-C-T. GRCh37 (hg19) VCF-style: chr22-29106058-C-T.
Other names: c.130-11G>A (NM_001437942.1, NM_001257387.3); c.592-11G>A (NM_001349956.3); c.793-11G>A (NM_145862.3); c.886-11G>A (NM_001438295.1, NM_001438293.1); c.922-11G>A (NM_001438294.1, NM_001005735.3).
Identifiers: ClinVar variation 491639 (VCV000491639.28), dbSNP rs5997387, ClinGen allele CA10167858.

ClinVar aggregate classification (germline): Benign/Likely benign. Review status: criteria provided, multiple submitters, no conflicts (2 of 4 stars). 11 submissions from 11 submitters: Benign (3); Likely benign (6). 2 of the submissions do not count toward it. Last evaluated 2026-02-04.

Conditions:
Familial cancer of breast. Also called: hereditary breast carcinoma; Hereditary breast cancer; BREAST CANCER, FAMILIAL. Identifiers: Orphanet 227535, MedGen C0346153, MONDO:0016419, OMIM 114480. Disease mechanism: loss of function.
Hereditary cancer-predisposing syndrome. Also called: Tumor predisposition; Hereditary Cancer Syndrome; Neoplastic Syndromes, Hereditary; Hereditary neoplastic syndrome. Identifiers: Orphanet 140162, MedGen C0027672, MeSH D009386, MONDO:0015356.

Allele frequency attached by ClinVar (database versions not stated): ExAC 0.00016; 1000 Genomes Project 30x 0.00031; 1000 Genomes Project 0.00040; ESP Exome Variant Server 0.00046; gnomAD 0.00048 and 0.00054; TOPMed 0.00053.
gnomAD v4.1: 140 of 1,527,242 alleles (0.0092%); highest among the groups gnomAD compares: African/African-American, 0.17%; no homozygotes.

Submissions (11):

Labcorp Genetics (formerly Invitae), Labcorp
Classification: Benign for Familial cancer of breast. Last evaluated: 2026-02-04. Review status: criteria provided, single submitter. Criteria: Invitae Variant Classification Sherloc (09022015). Collection method: clinical testing. Allele origin: germline.

Blueprint Genetics
Classification: Likely benign. Last evaluated: 2024-10-17. Review status: criteria provided, single submitter. Criteria: ACMG Guidelines, 2015. Collection method: clinical testing. Allele origin: germline.

Myriad Genetics, Inc.
Classification: Benign for Familial cancer of breast. Last evaluated: 2023-03-08. Review status: criteria provided, single submitter. Criteria: Myriad Autosomal Dominant, Autosomal Recessive and X-Linked Classification Criteria (2023). Collection method: clinical testing. Allele origin: unknown.
Comment: This variant is considered benign. This variant is strongly associated with less severe personal and family histories of cancer, typical for individuals without pathogenic variants in this gene [PMID: 25085752].

Sema4
Classification: Likely benign for Hereditary cancer-predisposing syndrome. Last evaluated: 2021-02-08. Review status: criteria provided, single submitter. Criteria: Sema4 Curation Guidelines. Collection method: curation. Allele origin: germline.

ARUP Laboratories, Molecular Genetics and Genomics, ARUP Laboratories
Classification: Likely benign. Last evaluated: 2020-01-24. Review status: criteria provided, single submitter. Criteria: ARUP Molecular Germline Variant Investigation Process. Collection method: clinical testing. Allele origin: germline.

PreventionGenetics, part of Exact Sciences
Classification: Likely benign. Last evaluated: 2017-01-30. Review status: criteria provided, single submitter. Criteria: ACMG Guidelines, 2015. Collection method: clinical testing. Allele origin: germline.

Ambry Genetics
Classification: Likely benign for Hereditary cancer-predisposing syndrome. Last evaluated: 2015-10-09. Review status: criteria provided, single submitter. Criteria: Ambry Variant Classification Scheme 2023. Collection method: clinical testing. Allele origin: germline.

Color Diagnostics, LLC DBA Color Health
Classification: Likely benign for Hereditary cancer-predisposing syndrome. Last evaluated: 2015-04-26. Review status: criteria provided, single submitter. Criteria: ACMG Guidelines, 2015. Collection method: clinical testing. Allele origin: germline.

GeneDx
Classification: Benign. Last evaluated: 2015-03-03. Review status: criteria provided, single submitter. Criteria: GeneDx Variant Classification Process June 2021. Collection method: clinical testing. Allele origin: germline. Affected: yes.

Counsyl
Classification: Likely benign for Familial cancer of breast. Last evaluated: 2018-06-05. Review status: no assertion criteria provided. Collection method: clinical testing. Allele origin: unknown. Not counted in ClinVar's aggregate classification.

Department of Pathology and Laboratory Medicine, Sinai Health System
Classification: Uncertain significance. Review status: no assertion criteria provided. Collection method: clinical testing. Allele origin: unknown. Affected: yes. Study: The Canadian Open Genetics Repository (COGR). Not counted in ClinVar's aggregate classification.
Comment: The CHEK2 c.793-11G>A variant was identified in one human breast cancer cell line however the frequency of this variant in an affected population was not provided (Wasielewski 2010). The variant was also identified in dbSNP (ID: rs5997387) as "With Likely benign allele", in ClinVar (classified as likely benign by Counsyl, Color and Prevention Genetics). The variant was identified in control databases in 44 of 274956 chromosomes at a frequency of 0.0002 (Genome Aggregation Database Feb 27, 2017). The variant was observed in the following populations: African in 43 of 23932 chromosomes (freq: 0.002), Latino in 1 of 34138 chromosomes (freq: 0.00003); it was not observed in the Other, European Non-Finnish, Ashkenazi Jewish, East Asian, Finnish, and South Asian populations. The c.793-11G>A variant is located in the 3' splice region but does not affect the invariant -1 and -2 positions. However, positions -3 and -5 to -12 are part of the splicing consensus sequence and variants involving these positions sometimes affect splicing. However, in silico or computational prediction software programs (SpliceSiteFinder, MaxEntScan, NNSPLICE, GeneSplicer) do not predict a difference in splicing. In summary, based on the above information the clinical significance of this variant cannot be determined with certainty at this time. This variant is classified as a variant of uncertain significance.

Literature cited by the submitters: PubMed 25085752 (cited by Myriad Genetics, Inc.); PubMed 12442270 (cited by Ambry Genetics); PubMed 18297428 (cited by Counsyl).